The following is an entry in ClinVar:

NM_004408.4(DNM1):c.1444G>A (p.Glu482Lys)

Gene: DNM1 (dynamin 1; plus strand). Cytogenetic location: 9q34.11.
Variant type: single nucleotide variant.
Coding change: c.1444G>A on transcript NM_004408.4 (MANE Select); coding-DNA position 1444, G replaced by A.
Protein change: p.Glu482Lys; replaces glutamic acid 482 with lysine.
Molecular consequence: missense variant.
Genome position (GRCh38, 1-based): chr9:128,239,466, G>A. VCF-style: chr9-128239466-G-A. GRCh37 (hg19) VCF-style: chr9-131001745-G-A.
Other names: c.1444G>A, p.Glu482Lys (NM_001005336.3, NM_001288737.2, NM_001288738.2 and 2 more transcripts); short protein forms E482K.
Identifiers: ClinVar variation 4881546 (VCV004881546.2).

ClinVar aggregate classification (germline): Uncertain significance (1 of 4 stars; one submission).

Submission:

Dasa
Classification: Uncertain significance. Last evaluated: 2025-02-19. Review status: criteria provided, single submitter. Criteria: DASA Assertion Criteria. Collection method: clinical testing. Allele origin: germline.
Comment: NM_004408.4(DNM1):c.1444G>A (p.Glu482Lys) is a missense variant that results in the substitution of glutamic acid with lysine. This variant is absent from population databases. Computational prediction algorithms are consistent with a deleterious effect. The currently available literature and clinical evidence are not sufficient to establish a definitive association between this variant and the reported condition. Therefore, this variant is classified as a variant of uncertain significance.